The following is an entry in ClinVar:

NM_001287491.2(TET3):c.2196T>A (p.Ile732=)

Gene: TET3 (tet methylcytosine dioxygenase 3; plus strand). Cytogenetic location: 2p13.1.
Variant type: single nucleotide variant.
Coding change: c.2196T>A on transcript NM_001287491.2 (MANE Select); coding-DNA position 2196, T replaced by A.
Protein change: p.Ile732=; no amino-acid change (isoleucine 732 retained).
Molecular consequence: synonymous variant.
Genome position (GRCh38, 1-based): chr2:74,048,113, T>A. VCF-style: chr2-74048113-T-A. GRCh37 (hg19) VCF-style: chr2-74275240-T-A.
Other names: c.1917T>A, p.Ile639= (NM_001366022.1); c.1791T>A, p.Ile597= (NM_144993.1).
Identifiers: ClinVar variation 3239168 (VCV003239168.19), dbSNP rs1460172338.

ClinVar aggregate classification (germline): Likely benign (1 of 4 stars; one submission).

gnomAD v4.1: 2 of 1,613,314 alleles (0.00012%); no homozygotes.

Submission:

CeGaT Center for Human Genetics Tuebingen
Classification: Likely benign. Last evaluated: 2024-05-01. Review status: criteria provided, single submitter. Criteria: CeGaT Center For Human Genetics Tuebingen Variant Classification Criteria Version 2. Collection method: clinical testing. Allele origin: germline. Affected: yes. Observed: 1 variant allele.
Comment: TET3: BP4, BP7